The following is an entry in ClinVar:

ClinVar aggregate classification (germline): Conflicting classifications of pathogenicity. Review status: criteria provided, conflicting classifications (1 of 4 stars). 17 submissions from 12 submitters: Uncertain significance (1); Benign (8); Likely benign (8). Last evaluated 2026-09-01.

Conditions:
Inborn genetic diseases. Identifiers: MedGen C0950123, MeSH D030342.
Charcot-Marie-Tooth disease axonal type 2C (HMSN2C). Also called: Charcot-Marie-Tooth Disease Type 2, TRPV4-Related (CMT2C); CHARCOT-MARIE-TOOTH DISEASE, AXONAL, AUTOSOMAL DOMINANT, TYPE 2C; Charcot-Marie-Tooth Neuropathy Type 2C. Identifiers: Orphanet 99937, MedGen C1853710, MONDO:0011633, OMIM 606071.
Brachyrachia (short spine dysplasia) (BCYM3). Also called: Brachyolmia, TRPV4-Related; Brachyolmia Type 3; Autosomal dominant brachyolmia; BRACHYRACHIA. Identifiers: Orphanet 93304, MedGen C0432227, MONDO:0007232, OMIM 113500.
Spondylometaphyseal dysplasia, Kozlowski type (SMDK). Also called: Spondylometaphyseal Dysplasia, TRPV4-Related (Kozlowski Type); Dysmorphism arthrogryposis skeletal maturation advanced; Jequier-Kozlowski syndrome; Skeletal dysplasia Jequier-Kozlowski type; SMD Kozlowski type. Identifiers: Orphanet 93314, MedGen C0265280, MONDO:0008477, OMIM 184252.
Metatropic dysplasia (MTD). Also called: Metatropic Dysplasia, TRPV4-Related; METATROPIC DWARFISM; Metatropic dysplasia, nonlethal dominant. Identifiers: Orphanet 2635, MedGen C0265281, MONDO:0007986, OMIM 156530.
Neuronopathy, distal hereditary motor, autosomal dominant 8. Also called: NEURONOPATHY, DISTAL HEREDITARY MOTOR, TYPE VIII; NEUROPATHY, DISTAL HEREDITARY MOTOR, TYPE VIII; SPINAL MUSCULAR ATROPHY, CONGENITAL BENIGN, WITH CONTRACTURES; Autosomal dominant congenital benign spinal muscular atrophy. Identifiers: Orphanet 1216, MedGen C1838492, MONDO:0010839, OMIM 600175.
Scapuloperoneal spinal muscular atrophy (SPSMA). Also called: Scapuloperoneal spinal muscular atrophy, autosomal dominant; Scapuloperoneal Spinal Muscular Atrophy, TRPV4-Related; Scapuloperoneal Form of Spinal Muscular Atrophy; AMYOTROPHY, NEUROGENIC SCAPULOPERONEAL, NEW ENGLAND TYPE. Identifiers: Orphanet 431255, MedGen C0751335, MONDO:0008408, OMIM 181405.
Connective tissue disorder. Also called: Connective tissue disease. Identifiers: MedGen C0009782, MONDO:0003900.
Charcot-Marie-Tooth disease. Also called: Charcot-Marie-Tooth Hereditary Neuropathy; Charcot-Marie-Tooth Neuropathy. Identifiers: Orphanet 166, MedGen C0007959, MONDO:0015626.

Allele frequency attached by ClinVar (database versions not stated): TOPMed 0.00054; ESP Exome Variant Server 0.00062; gnomAD 0.00044 and 0.00053.
gnomAD v4.1: 794 of 1,613,926 alleles (0.049%); highest among the groups gnomAD compares: Middle Eastern, 0.082%; no homozygotes.

Submissions (17):

CeGaT Center for Human Genetics Tuebingen
Classification: Likely benign. Last evaluated: 2026-09-01. Review status: criteria provided, single submitter. Criteria: CeGaT Center For Human Genetics Tuebingen Variant Classification Criteria Version 2. Collection method: clinical testing. Allele origin: germline. Affected: yes. Observed: 18 variant alleles.
Comment: TRPV4: BP4, BP7

Labcorp Genetics (formerly Invitae), Labcorp
Classification: Benign for Charcot-Marie-Tooth disease axonal type 2C. Last evaluated: 2026-01-14. Review status: criteria provided, single submitter. Criteria: Invitae Variant Classification Sherloc (09022015). Collection method: clinical testing. Allele origin: germline.

Athena Diagnostics
Classification: Benign. Last evaluated: 2025-02-13. Review status: criteria provided, single submitter. Criteria: Athena Diagnostics Criteria. Collection method: clinical testing. Allele origin: unknown.
Comment: The frequency of this variant in the general population is higher than would generally be expected for pathogenic variants in this gene.

Blueprint Genetics
Classification: Likely benign. Last evaluated: 2024-11-25. Review status: criteria provided, single submitter. Criteria: ACMG Guidelines, 2015. Collection method: clinical testing. Allele origin: germline.

ARUP Laboratories, Molecular Genetics and Genomics, ARUP Laboratories
Classification: Likely benign. Last evaluated: 2022-02-01. Review status: criteria provided, single submitter. Criteria: ARUP Molecular Germline Variant Investigation Process 2021. Collection method: clinical testing. Allele origin: germline.

GeneDx
Classification: Likely benign. Last evaluated: 2021-01-19. Review status: criteria provided, single submitter. Criteria: GeneDx Variant Classification Process June 2021. Collection method: clinical testing. Allele origin: germline. Affected: yes.

Mayo Clinic Laboratories, Mayo Clinic
Classification: Benign. Last evaluated: 2020-10-02. Review status: criteria provided, single submitter. Criteria: ACMG Guidelines, 2015. Collection method: clinical testing. Allele origin: germline. Observed: 3 variant alleles.

Ambry Genetics
Classification: Likely benign for Inborn genetic diseases. Last evaluated: 2019-07-11. Review status: criteria provided, single submitter. Criteria: Ambry Variant Classification Scheme 2023. Collection method: clinical testing. Allele origin: germline.

Genome Diagnostics Laboratory, The Hospital for Sick Children
Classification: Likely benign for Connective tissue disorder. Last evaluated: 2019-06-01. Review status: criteria provided, single submitter. Criteria: ACMG Guidelines, 2015. Collection method: clinical testing. Allele origin: germline.

Illumina Laboratory Services, Illumina
Classification: Benign for Scapuloperoneal spinal muscular atrophy. Last evaluated: 2018-01-12. Review status: criteria provided, single submitter. Criteria: ICSL Variant Classification Criteria 13 December 2019. Collection method: clinical testing. Allele origin: germline.
Comment: This variant was observed in the ICSL laboratory as part of a predisposition screen in an ostensibly healthy population. It had not been previously curated by ICSL or reported in the Human Gene Mutation Database (HGMD: prior to June 1st, 2018), and was therefore a candidate for classification through an automated scoring system. Utilizing variant allele frequency, disease prevalence and penetrance estimates, and inheritance mode, an automated score was calculated to assess if this variant is too frequent to cause the disease. Based on the score and internal cut-off values, a variant classified as benign is not then subjected to further curation. The score for this variant resulted in a classification of benign for this disease.

Illumina Laboratory Services, Illumina
Classification: Benign for Spondylometaphyseal dysplasia, Kozlowski type. Last evaluated: 2018-01-12. Review status: criteria provided, single submitter. Criteria: ICSL Variant Classification Criteria 13 December 2019. Collection method: clinical testing. Allele origin: germline.
Comment: the same text as in the submission from Illumina Laboratory Services, Illumina above.

Illumina Laboratory Services, Illumina
Classification: Likely benign for Charcot-Marie-Tooth disease axonal type 2C. Last evaluated: 2018-01-12. Review status: criteria provided, single submitter. Criteria: ICSL Variant Classification Criteria 13 December 2019. Collection method: clinical testing. Allele origin: germline.
Comment: This variant was observed in the ICSL laboratory as part of a predisposition screen in an ostensibly healthy population. It had not been previously curated by ICSL or reported in the Human Gene Mutation Database (HGMD: prior to June 1st, 2018), and was therefore a candidate for classification through an automated scoring system. Utilizing variant allele frequency, disease prevalence and penetrance estimates, and inheritance mode, an automated score was calculated to assess if this variant is too frequent to cause the disease. Based on the score and internal cut-off values, a variant classified as likely benign is not then subjected to further curation. The score for this variant resulted in a classification of likely benign for this disease.

Illumina Laboratory Services, Illumina
Classification: Benign for Metatropic dysplasia. Last evaluated: 2018-01-12. Review status: criteria provided, single submitter. Criteria: ICSL Variant Classification Criteria 13 December 2019. Collection method: clinical testing. Allele origin: germline.
Comment: the same text as in the submission from Illumina Laboratory Services, Illumina above.

Illumina Laboratory Services, Illumina
Classification: Benign for Neuronopathy, distal hereditary motor, autosomal dominant 8. Last evaluated: 2018-01-12. Review status: criteria provided, single submitter. Criteria: ICSL Variant Classification Criteria 13 December 2019. Collection method: clinical testing. Allele origin: germline.
Comment: the same text as in the submission from Illumina Laboratory Services, Illumina above.

Illumina Laboratory Services, Illumina
Classification: Benign for Brachyrachia (short spine dysplasia). Last evaluated: 2018-01-12. Review status: criteria provided, single submitter. Criteria: ICSL Variant Classification Criteria 13 December 2019. Collection method: clinical testing. Allele origin: germline.
Comment: the same text as in the submission from Illumina Laboratory Services, Illumina above.

Eurofins Ntd Llc (ga)
Classification: Uncertain significance. Last evaluated: 2017-01-05. Review status: criteria provided, single submitter. Criteria: EGL Classification Definitions 2015. Collection method: clinical testing. Allele origin: germline. Observed: 1 variant allele, 1 heterozygote.

Molecular Genetics Laboratory, London Health Sciences Centre
Classification: Likely benign for Charcot-Marie-Tooth disease. Review status: criteria provided, single submitter. Criteria: ACMG Guidelines, 2015. Collection method: clinical testing. Allele origin: germline. Affected: yes.

NM_021625.5(TRPV4):c.2304G>C (p.Ser768=)

Gene: TRPV4 (transient receptor potential cation channel subfamily V member 4; minus strand). Cytogenetic location: 12q24.11.
Variant type: single nucleotide variant.
Coding change: c.2304G>C on transcript NM_021625.5 (MANE Select); coding-DNA position 2304, G replaced by C.
Protein change: p.Ser768=; no amino-acid change (serine 768 retained).
Molecular consequence: synonymous variant.
Genome position (GRCh38, 1-based): chr12:109,786,742, C>G on the plus strand (G>C on the coding strand, the complement: TRPV4 is on the minus strand). VCF-style: chr12-109786742-C-G. GRCh37 (hg19) VCF-style: chr12-110224547-C-G.
Other names: p.Ser768=; c.2163G>C, p.Ser721= (NM_001177428.2); c.2202G>C, p.Ser734= (NM_001177431.2); c.1983G>C, p.Ser661= (NM_001177433.2); c.2124G>C, p.Ser708= (NM_147204.3).
Identifiers: ClinVar variation 499138 (VCV000499138.105), dbSNP rs138986228, ClinGen allele CA6779967.
Genomic context (GRCh38, chr12:109,786,742, plus strand): 5'-CATCCTGGCCCCACTGCCCCAGCCTCACCTGAAGCACCACCTGCGGTCAGGAGTGCCGTC[C>G]GAGCTCTTGCCCACGGTGACCATCTCCCCAGAGCGGAAGGCCTTCCTCAGGAATACGGGG-3'
Protein context (NP_067638.3, residues 758-778): SGEMVTVGKS[Ser768=]DGTPDRRWCF